The following is an entry in ClinVar:

ClinVar aggregate classification (germline): Uncertain significance (1 of 4 stars; one submission).

Conditions:
Myoclonic dystonia 11 (DYT11). Also called: DYT-SGCE; Myoclonic dystonia; Dystonia 11; Dystonia, alcohol responsive; Hereditary essential myoclonus; SGCE Myoclonus-Dystonia. Identifiers: Orphanet 36899, MedGen C1834570, MONDO:0008044, OMIM 159900.

Submission:

Labcorp Genetics (formerly Invitae), Labcorp
Classification: Uncertain significance for Myoclonic dystonia 11. Last evaluated: 2024-02-05. Review status: criteria provided, single submitter. Criteria: Invitae Variant Classification Sherloc (09022015). Collection method: clinical testing. Allele origin: germline.
Comment: This sequence change replaces aspartic acid, which is acidic and polar, with glutamic acid, which is acidic and polar, at codon 96 of the SGCE protein (p.Asp96Glu). This variant is not present in population databases (gnomAD no frequency). This variant has not been reported in the literature in individuals affected with SGCE-related conditions. ClinVar contains an entry for this variant (Variation ID: 1370714). Advanced modeling of protein sequence and biophysical properties (such as structural, functional, and spatial information, amino acid conservation, physicochemical variation, residue mobility, and thermodynamic stability) performed at Invitae indicates that this missense variant is not expected to disrupt SGCE protein function with a negative predictive value of 80%. In summary, the available evidence is currently insufficient to determine the role of this variant in disease. Therefore, it has been classified as a Variant of Uncertain Significance.

NM_003919.3(SGCE):c.288C>A (p.Asp96Glu)

Genes: CASD1 (CAS1 domain sialic acid O acetyltransferase 1; plus strand), SGCE (sarcoglycan epsilon; minus strand). Cytogenetic location: 7q21.3.
Variant type: single nucleotide variant.
Coding change: c.288C>A on transcript NM_003919.3 (MANE Select); coding-DNA position 288, C replaced by A.
Protein change: p.Asp96Glu; replaces aspartic acid 96 with glutamic acid.
Molecular consequence: missense variant.
Genome position (GRCh38, 1-based): chr7:94,628,304, G>T on the plus strand (C>A on the coding strand, the complement: SGCE is on the minus strand). VCF-style: chr7-94628304-G-T. GRCh37 (hg19) VCF-style: chr7-94257616-G-T.
Other names: c.288C>A, p.Asp96Glu (NM_001099400.2, NM_001099401.2, NM_001346717.2); c.165C>A, p.Asp55Glu (NM_001301139.2, NM_001362809.2); c.396C>A, p.Asp132Glu (NM_001346713.2, NM_001346715.2); c.201C>A, p.Asp67Glu (NM_001346719.2, NM_001362807.2); c.15C>A, p.Asp5Glu (NM_001346720.2, NM_001362808.2); short protein forms D55E, D5E, D67E, D96E, D132E.
Identifiers: ClinVar variation 1370714 (VCV001370714.6), dbSNP rs1804079106, ClinGen allele CA368238301.
Genomic context (GRCh38, chr7:94,628,304, plus strand): 5'-CCCATATAGGACTCCATCACTATATGGTGTCCTTTGGATATATCGAAGCCATCCAGGTCG[G>T]TCTGGGTAACCCATTAAATTTGTATTAAATGTTATGGGATCATTACTAATCTCGCCTAGA-3'
Protein context (NP_003910.1, residues 86-106): TFNTNLMGYP[Asp96Glu]RPGWLRYIQR